The following is an entry in ClinVar:

ClinVar aggregate classification (germline): Pathogenic. Review status: reviewed by expert panel (3 of 4 stars). 2 submissions from 2 submitters: Pathogenic (1). 1 of the submissions does not count toward it. Last evaluated 2016-10-18.

Conditions:
Breast-ovarian cancer, familial, susceptibility to, 1 (BROVCA1). Also called: BRCA1 Hereditary Breast and Ovarian Cancer; OVARIAN CANCER, SUSCEPTIBILITY TO. Identifiers: Orphanet 145, MedGen C2676676, MONDO:0011450, OMIM 604370. Disease mechanism: loss of function.

Submissions (2):

Evidence-based Network for the Interpretation of Germline Mutant Alleles (ENIGMA)
Classification: Pathogenic for Breast-ovarian cancer, familial, susceptibility to, 1. Last evaluated: 2016-10-18. Review status: reviewed by expert panel. Criteria: ENIGMA BRCA1/2 Classification Criteria (2015). Collection method: curation. Allele origin: germline.
Comment: Variant allele predicted to encode a truncated non-functional protein.

Consortium of Investigators of Modifiers of BRCA1/2 (CIMBA), c/o University of Cambridge
Classification: Pathogenic for Breast-ovarian cancer, familial, susceptibility to, 1. Last evaluated: 2015-10-02. Review status: criteria provided, single submitter. Criteria: CIMBA Mutation Classification guidelines May 2016. Collection method: clinical testing. Allele origin: germline. Not counted in ClinVar's aggregate classification.

NM_007294.4(BRCA1):c.1878_1879insTAGT (p.Val627Ter)

Gene: BRCA1 (BRCA1 DNA repair associated; minus strand). Cytogenetic location: 17q21.31.
Variant type: Insertion.
Coding change: c.1878_1879insTAGT on transcript NM_007294.4 (MANE Select); coding-DNA positions 1878 to 1879, TAGT inserted.
Protein change: p.Val627Ter; replaces valine 627 with a stop codon.
Molecular consequence: nonsense. On other transcripts: intron variant (137).
Genome position: GRCh38 VCF-style: chr17-43093652-C-CACTA. GRCh37 (hg19) VCF-style: chr17-41245669-C-CACTA.
Other names: 1997ins4; c.1665_1666insTAGT, p.Val556Ter (NM_001407571.1, NM_001407898.1, NM_001407899.1 and 9 more transcripts); c.1878_1879insTAGT, p.Val627Ter (NM_001407581.1, NM_001407582.1, NM_001407583.1 and 30 more transcripts); c.1875_1876insTAGT, p.Val626Ter (NM_001407587.1, NM_001407590.1, NM_001407591.1 and 22 more transcripts); c.1800_1801insTAGT, p.Val601Ter (NM_001407655.1, NM_001407656.1, NM_001407657.1 and 4 more transcripts); c.1797_1798insTAGT, p.Val600Ter (NM_001407659.1, NM_001407660.1, NM_001407661.1 and 1 more transcripts); c.1752_1753insTAGT, p.Val585Ter (NM_001407673.1, NM_001407691.1, NM_001407941.1 and 11 more transcripts); c.1755_1756insTAGT, p.Val586Ter (NM_001407674.1, NM_001407675.1, NM_001407676.1 and 19 more transcripts); and 41 more; short protein forms V580*, V627*, V331*, V515*, V579*, V586*, V601*, V459*.
Identifiers: ClinVar variation 266195 (VCV000266195.6), dbSNP rs886039975, ClinGen allele CA10589914.
Genomic context (GRCh38, chr17:43,093,652, plus strand): 5'-TGCTAGAACAACTATCAATTTGCAATTCAGTACAATTAGGTGGGCTTAGATTTCTACTGA[C>CACTA]TACTAGTTCAAGCGCATGAATATGCCTGGTAGAAGACTTCCTCCTCAGCCTATTCTTTTT-3'